The following is an entry in ClinVar:

ClinVar aggregate classification (germline): Conflicting classifications of pathogenicity. Review status: criteria provided, conflicting classifications (1 of 4 stars). 2 submissions from 2 submitters: Uncertain significance (1); Likely benign (1). Last evaluated 2026-06-18.

Conditions:
Hereditary diffuse gastric adenocarcinoma (HDGC). Also called: DIFFUSE GASTRIC AND LOBULAR BREAST CANCER SYNDROME. Identifiers: Orphanet 26106, MedGen C1708349, MONDO:0007648, OMIM 137215.
Hereditary cancer-predisposing syndrome. Also called: Neoplastic Syndromes, Hereditary; Hereditary Cancer Syndrome; Hereditary neoplastic syndrome; Tumor predisposition. Identifiers: Orphanet 140162, MedGen C0027672, MeSH D009386, MONDO:0015356.

Submissions (2):

Ambry Genetics
Classification: Likely benign for Hereditary cancer-predisposing syndrome. Last evaluated: 2026-06-18. Review status: criteria provided, single submitter. Criteria: Ambry Variant Classification Scheme 2023. Collection method: clinical testing. Allele origin: germline.

Labcorp Genetics (formerly Invitae), Labcorp
Classification: Uncertain significance for Hereditary diffuse gastric adenocarcinoma. Last evaluated: 2025-11-11. Review status: criteria provided, single submitter. Criteria: Invitae Variant Classification Sherloc (09022015). Collection method: clinical testing. Allele origin: germline.
Comment: This sequence change replaces proline, which is neutral and non-polar, with serine, which is neutral and polar, at codon 147 of the CDH1 protein (p.Pro147Ser). This variant is not present in population databases (gnomAD no frequency). This variant has not been reported in the literature in individuals affected with CDH1-related conditions. ClinVar contains an entry for this variant (Variation ID: 577344). An algorithm developed to predict the effect of missense changes on protein structure and function outputs the following: PolyPhen-2: "Benign". The serine amino acid residue is found in multiple mammalian species, which suggests that this missense change does not adversely affect protein function. In summary, the available evidence is currently insufficient to determine the role of this variant in disease. Therefore, it has been classified as a Variant of Uncertain Significance.

NM_004360.5(CDH1):c.439C>T (p.Pro147Ser)

Gene: CDH1 (cadherin 1; plus strand). Cytogenetic location: 16q22.1.
Variant type: single nucleotide variant.
Coding change: c.439C>T on transcript NM_004360.5 (MANE Select); coding-DNA position 439, C replaced by T.
Protein change: p.Pro147Ser; replaces proline 147 with serine.
Molecular consequence: missense variant. On other transcripts: 5 prime UTR variant (2).
Genome position (GRCh38, 1-based): chr16:68,808,475, C>T. VCF-style: chr16-68808475-C-T. GRCh37 (hg19) VCF-style: chr16-68842378-C-T.
Other names: c.439C>T (LRG_301t1); c.439C>T, p.Pro147Ser (NM_001317184.2); c.-1177C>T (NM_001317185.2); c.-1381C>T (NM_001317186.2); short protein forms P147S.
Identifiers: ClinVar variation 577344 (VCV000577344.10), dbSNP rs1567504538, ClinGen allele CA396457621.